The following is an entry in ClinVar:

ClinVar aggregate classification (germline): Uncertain significance (0 of 4 stars; one submission).

Conditions:
Prostate cancer. Also called: Malignant tumor of prostate. Identifiers: Orphanet 1331, MedGen C0376358, MONDO:0008315, HP:0012125.

Submission:

Science for Life laboratory,  Karolinska Institutet
Classification: Uncertain significance for Malignant tumor of prostate. Review status: no assertion criteria provided. Collection method: not provided. Allele origin: somatic.
Comment: TumorID:SWE-6
ClinVar note: Converted during submission from Unknown to Uncertain significance.

NM_021815.5(SLC5A7):c.1175C>T (p.Ala392Val)

Gene: SLC5A7 (solute carrier family 5 member 7; plus strand). Cytogenetic location: 2q12.3.
Variant type: single nucleotide variant.
Coding change: c.1175C>T on transcript NM_021815.5 (MANE Select); coding-DNA position 1175, C replaced by T.
Protein change: p.Ala392Val; replaces alanine 392 with valine.
Molecular consequence: missense variant.
Genome position (GRCh38, 1-based): chr2:108,010,293, C>T. VCF-style: chr2-108010293-C-T. GRCh37 (hg19) VCF-style: chr2-108626749-C-T.
Other names: c.1175C>T, p.Ala392Val (NM_001305005.3); c.860C>T, p.Ala287Val (NM_001305006.3); c.434C>T, p.Ala145Val (NM_001305007.3); short protein forms A392V, A287V, A145V.
Identifiers: ClinVar variation 161750 (VCV000161750.2), dbSNP rs193921021, ClinGen allele CA174717.